The following is an entry in ClinVar:

ClinVar aggregate classification (germline): Uncertain significance (1 of 4 stars; one submission).

Conditions:
Hereditary cancer-predisposing syndrome. Also called: Neoplastic Syndromes, Hereditary; Hereditary Cancer Syndrome; Tumor predisposition; Hereditary neoplastic syndrome. Identifiers: Orphanet 140162, MedGen C0027672, MeSH D009386, MONDO:0015356.

Submission:

Color Diagnostics, LLC DBA Color Health
Classification: Uncertain significance for Hereditary cancer-predisposing syndrome. Last evaluated: 2023-12-05. Review status: criteria provided, single submitter. Criteria: ACMG Guidelines, 2015. Collection method: clinical testing. Allele origin: germline.
Comment: This missense variant replaces glutamine with histidine at codon 212 of the BMPR1A protein. Computational prediction suggests that this variant may not impact protein structure and function (internally defined REVEL score threshold <= 0.5, PMID: 27666373). To our knowledge, functional studies have not been reported for this variant. This variant has not been reported in individuals affected with BMPR1A-related disorders in the literature. This variant has not been identified in the general population by the Genome Aggregation Database (gnomAD). The available evidence is insufficient to determine the role of this variant in disease conclusively. Therefore, this variant is classified as a Variant of Uncertain Significance.

NM_004329.3(BMPR1A):c.636G>C (p.Gln212His)

Gene: BMPR1A (bone morphogenetic protein receptor type 1A; plus strand). Cytogenetic location: 10q23.2.
Variant type: single nucleotide variant.
Coding change: c.636G>C on transcript NM_004329.3 (MANE Select); coding-DNA position 636, G replaced by C.
Protein change: p.Gln212His; replaces glutamine 212 with histidine.
Molecular consequence: missense variant.
Genome position (GRCh38, 1-based): chr10:86,912,345, G>C. VCF-style: chr10-86912345-G-C. GRCh37 (hg19) VCF-style: chr10-88672102-G-C.
Other names: short protein forms Q212H.
Identifiers: ClinVar variation 927882 (VCV000927882.4), dbSNP rs1843503778, ClinGen allele CA377454974.
Genomic context (GRCh38, chr10:86,912,345, plus strand): 5'-TTTGGAACAGGATGAAGCATTTATTCCAGTTGGAGAATCACTAAAAGACCTTATTGACCA[G>C]TCACAAAGTTCTGGTAGTGGGTCTGGACTACCTTTATTGGTAAGTTAAACGTTCCTATAG-3'
Protein context (NP_004320.2, residues 202-222): VGESLKDLID[Gln212His]SQSSGSGSGL